The following is an entry in ClinVar:

NM_006517.5(SLC16A2):c.166_183dup (p.Pro61_Ala62insGlnProLeuProAspPro)

Gene: SLC16A2 (solute carrier family 16 member 2; plus strand). Cytogenetic location: Xq13.2.
Variant type: Duplication.
Coding change: c.166_183dup on transcript NM_006517.5 (MANE Select); coding-DNA positions 166 to 183, 18 bases duplicated (CAGCCCCTACCGGACCCC).
Protein change: p.Pro61_Ala62insGlnProLeuProAspPro.
Genome position (GRCh38, 1-based): chrX:74,421,803-74,421,820, CAGCCCCTACCGGACCCC duplicated; duplicating any 18 consecutive bases within chrX:74,421,800-74,421,820 gives the same sequence; the c. name uses the placement nearest the transcript's 3' end. VCF-style (leftmost placement, unchanged base first): chrX-74421799-G-GCCCCAGCCCCTACCGGAC. GRCh37 (hg19) VCF-style: chrX-73641634-G-GCCCCAGCCCCTACCGGAC.
Identifiers: ClinVar variation 5016727 (VCV005016727.1).

ClinVar aggregate classification (germline): Uncertain significance (1 of 4 stars; one submission).

Submission:

GeneDx
Classification: Uncertain significance. Last evaluated: 2026-04-02. Review status: criteria provided, single submitter. Criteria: GeneDx Variant Classification Process June 2021. Collection method: clinical testing. Allele origin: germline.
Comment: In-frame duplication of 6 amino acid(s) in a non-repeat region; Has not been previously published as pathogenic or benign to our knowledge